The following is an entry in ClinVar:

NM_000426.4(LAMA2):c.9077A>G (p.His3026Arg)

Gene: LAMA2 (laminin subunit alpha 2; plus strand). Cytogenetic location: 6q22.33.
Variant type: single nucleotide variant.
Coding change: c.9077A>G on transcript NM_000426.4 (MANE Select); coding-DNA position 9077, A replaced by G.
Protein change: p.His3026Arg; replaces histidine 3026 with arginine.
Molecular consequence: missense variant.
Genome position (GRCh38, 1-based): chr6:129,514,461, A>G. VCF-style: chr6-129514461-A-G. GRCh37 (hg19) VCF-style: chr6-129835606-A-G.
Other names: c.9065A>G, p.His3022Arg (NM_001079823.2); short protein forms H3026R, H3022R.
Identifiers: ClinVar variation 543842 (VCV000543842.7), dbSNP rs374613653, ClinGen allele CA3995029.

ClinVar aggregate classification (germline): Uncertain significance. Review status: criteria provided, multiple submitters, no conflicts (2 of 4 stars). 2 submissions from 2 submitters: Uncertain significance (2). Last evaluated 2025-08-09.

Conditions:
LAMA2-related muscular dystrophy (LAMA2-RD). Also called: Laminin alpha 2-related dystrophy. Identifiers: MedGen C5679788, MONDO:0100228.
Inborn genetic diseases. Identifiers: MedGen C0950123, MeSH D030342.

Allele frequency attached by ClinVar (database versions not stated): gnomAD exomes below 0.00001; ExAC 0.00001; gnomAD 0.00003 and 0.00004; TOPMed 0.00003; ESP Exome Variant Server 0.00008.
gnomAD v4.1: 8 of 1,614,014 alleles (0.0005%); highest among the groups gnomAD compares: African/African-American, 0.0067%; no homozygotes.

Submissions (2):

Ambry Genetics
Classification: Uncertain significance for Inborn genetic diseases. Last evaluated: 2025-08-09. Review status: criteria provided, single submitter. Criteria: Ambry Variant Classification Scheme 2023. Collection method: clinical testing. Allele origin: germline.

Labcorp Genetics (formerly Invitae), Labcorp
Classification: Uncertain significance for LAMA2-related muscular dystrophy. Last evaluated: 2022-08-16. Review status: criteria provided, single submitter. Criteria: Invitae Variant Classification Sherloc (09022015). Collection method: clinical testing. Allele origin: germline.
Comment: This sequence change replaces histidine, which is basic and polar, with arginine, which is basic and polar, at codon 3026 of the LAMA2 protein (p.His3026Arg). The frequency data for this variant in the population databases is considered unreliable, as metrics indicate poor data quality at this position in the gnomAD database. This variant has not been reported in the literature in individuals affected with LAMA2-related conditions. ClinVar contains an entry for this variant (Variation ID: 543842). Algorithms developed to predict the effect of missense changes on protein structure and function are either unavailable or do not agree on the potential impact of this missense change (SIFT: "Deleterious"; PolyPhen-2: "Probably Damaging"; Align-GVGD: "Class C0"). In summary, the available evidence is currently insufficient to determine the role of this variant in disease. Therefore, it has been classified as a Variant of Uncertain Significance.